The following is an entry in ClinVar:

ClinVar aggregate classification (germline): Conflicting classifications of pathogenicity. Review status: criteria provided, conflicting classifications (1 of 4 stars). 2 submissions from 2 submitters: Uncertain significance (1); Likely benign (1). Last evaluated 2023-01-23.

Conditions:
Primary ciliary dyskinesia. Also called: Ciliary dyskinesia. Identifiers: Orphanet 244, MedGen C0008780, MONDO:0016575, HP:0012265.

Allele frequency attached by ClinVar (database versions not stated): TOPMed below 0.00001; gnomAD 0.00001; gnomAD exomes 0.00001 and 0.00004; ExAC 0.00002.
gnomAD v4.1: 14 of 1,511,654 alleles (0.00093%); highest among the groups gnomAD compares: South Asian, 0.0028%; no homozygotes.

Submissions (2):

Ambry Genetics
Classification: Likely benign. Last evaluated: 2023-01-23. Review status: criteria provided, single submitter. Criteria: Ambry Variant Classification Scheme 2023. Collection method: clinical testing. Allele origin: germline.

Labcorp Genetics (formerly Invitae), Labcorp
Classification: Uncertain significance for Primary ciliary dyskinesia. Last evaluated: 2022-05-05. Review status: criteria provided, single submitter. Criteria: Invitae Variant Classification Sherloc (09022015). Collection method: clinical testing. Allele origin: germline.
Comment: This sequence change replaces alanine, which is neutral and non-polar, with valine, which is neutral and non-polar, at codon 256 of the DNAH8 protein (p.Ala256Val). This variant is present in population databases (rs776968317, gnomAD 0.01%). This variant has not been reported in the literature in individuals affected with DNAH8-related conditions. ClinVar contains an entry for this variant (Variation ID: 664595). Algorithms developed to predict the effect of missense changes on protein structure and function are either unavailable or do not agree on the potential impact of this missense change (SIFT: "Tolerated"; PolyPhen-2: "Not Available"; Align-GVGD: "Class C0"). In summary, the available evidence is currently insufficient to determine the role of this variant in disease. Therefore, it has been classified as a Variant of Uncertain Significance.

NM_001206927.2(DNAH8):c.767C>T (p.Ala256Val)

Gene: DNAH8 (dynein axonemal heavy chain 8; plus strand). Cytogenetic location: 6p21.2.
Variant type: single nucleotide variant.
Coding change: c.767C>T on transcript NM_001206927.2 (MANE Select); coding-DNA position 767, C replaced by T.
Protein change: p.Ala256Val; replaces alanine 256 with valine.
Molecular consequence: missense variant.
Genome position (GRCh38, 1-based): chr6:38,737,071, C>T. VCF-style: chr6-38737071-C-T. GRCh37 (hg19) VCF-style: chr6-38704847-C-T.
Other names: c.116C>T, p.Ala39Val (NM_001371.4); short protein forms A256V, A39V.
Identifiers: ClinVar variation 664595 (VCV000664595.5), dbSNP rs776968317, ClinGen allele CA3788046.
Genomic context (GRCh38, chr6:38,737,071, plus strand): 5'-TTCAGTTCTTTAGTGGGATTAGCATGTAAAATAACATTTAAACTCCACCCTTTCAGGAAG[C>T]GCTCTTTACTGTTCTGGATGCGTCGAAAGGACTCTTAAATGGAATTAGGGATATGTTGGC-3'
Protein context (NP_001193856.1, residues 246-266): AINVKTIQEE[Ala256Val]LFTVLDASKG